The following is an entry in ClinVar:

ClinVar aggregate classification (germline): not provided (0 of 4 stars; one submission).

Conditions:
Progressive familial intrahepatic cholestasis type 1. Also called: BYLER DISEASE; Severe ATP8B1 Deficiency (Progressive Familial Intrahepatic Cholestasis Type 1 [PFIC1]); Byler's disease. Identifiers: Orphanet 79306, MedGen C4551898, MONDO:0008892, OMIM 211600.

Allele frequency attached by ClinVar (database versions not stated): gnomAD exomes below 0.00001; ExAC 0.00001.
gnomAD v4.1: 1 of 1,613,480 alleles (0.000062%); highest among the groups gnomAD compares: East Asian, 0.0022%; no homozygotes.

Submission:

GeneReviews
No classification provided. Condition: Progressive familial intrahepatic cholestasis type 1. Review status: no classification provided. Collection method: literature only. Allele origin: germline.
Comment: This variant and 625C>A commonly found in cis in eastern China; which of the 2 causes disease is unknown

Literature cited by the submitters: PubMed 20038848.

NM_001374385.1(ATP8B1):c.627+5G>T

Gene: ATP8B1 (ATPase phospholipid transporting 8B1; minus strand). Cytogenetic location: 18q21.31.
Variant type: single nucleotide variant.
Coding change: c.627+5G>T on transcript NM_001374385.1 (MANE Select); 5 bases into the intron after coding-DNA position 627, G replaced by T.
Molecular consequence: intron variant.
Genome position (GRCh38, 1-based): chr18:57,697,790, C>A on the plus strand (G>T on the coding strand, the complement: ATP8B1 is on the minus strand). VCF-style: chr18-57697790-C-A. GRCh37 (hg19) VCF-style: chr18-55365022-C-A.
Other names: IVS6+5G>T; c.627+5G>T (NM_005603.6); c.477+5G>T (NM_001374386.1).
Identifiers: ClinVar variation 1301852 (VCV001301852.2), dbSNP rs745696446, ClinGen allele CA8974789.